The following is an entry in ClinVar:

NM_020461.4(TUBGCP6):c.4525G>A (p.Val1509Met)

Gene: TUBGCP6 (tubulin gamma complex component 6; minus strand). Cytogenetic location: 22q13.33.
Variant type: single nucleotide variant.
Coding change: c.4525G>A on transcript NM_020461.4 (MANE Select); coding-DNA position 4525, G replaced by A.
Protein change: p.Val1509Met; replaces valine 1509 with methionine.
Molecular consequence: missense variant.
Genome position (GRCh38, 1-based): chr22:50,219,169, C>T on the plus strand (G>A on the coding strand, the complement: TUBGCP6 is on the minus strand). VCF-style: chr22-50219169-C-T. GRCh37 (hg19) VCF-style: chr22-50657598-C-T.
Other names: short protein forms V1509M.
Identifiers: ClinVar variation 1037343 (VCV001037343.7), dbSNP rs759594714, ClinGen allele CA10307453.

ClinVar aggregate classification (germline): Uncertain significance (1 of 4 stars; one submission).

Allele frequency attached by ClinVar (database versions not stated): gnomAD exomes below 0.00001; TOPMed 0.00001; ExAC 0.00003.
gnomAD v4.1: 19 of 1,612,400 alleles (0.0012%); highest among the groups gnomAD compares: Middle Eastern, 0.017%; no homozygotes.

Submission:

Labcorp Genetics (formerly Invitae), Labcorp
Classification: Uncertain significance. Last evaluated: 2025-03-02. Review status: criteria provided, single submitter. Criteria: Invitae Variant Classification Sherloc (09022015). Collection method: clinical testing. Allele origin: germline.
Comment: This sequence change replaces valine, which is neutral and non-polar, with methionine, which is neutral and non-polar, at codon 1509 of the TUBGCP6 protein (p.Val1509Met). The frequency data for this variant in the population databases is considered unreliable, as metrics indicate poor data quality at this position in the gnomAD database. This variant has not been reported in the literature in individuals affected with TUBGCP6-related conditions. ClinVar contains an entry for this variant (Variation ID: 1037343). An algorithm developed to predict the effect of missense changes on protein structure and function (PolyPhen-2) suggests that this variant is likely to be disruptive. In summary, the available evidence is currently insufficient to determine the role of this variant in disease. Therefore, it has been classified as a Variant of Uncertain Significance.